The following is an entry in ClinVar:

ClinVar aggregate classification (germline): Pathogenic/Likely pathogenic. Review status: criteria provided, multiple submitters, no conflicts (2 of 4 stars). 2 submissions from 2 submitters: Pathogenic (1); Likely pathogenic (1). Last evaluated 2026-04-01.

Conditions:
COL2A1-related disorder. Also called: COL2A1-related condition; COL2A1-related disorders.

Submissions (2):

CeGaT Center for Human Genetics Tuebingen
Classification: Pathogenic. Last evaluated: 2026-04-01. Review status: criteria provided, single submitter. Criteria: CeGaT Center For Human Genetics Tuebingen Variant Classification Criteria Version 2. Collection method: clinical testing. Allele origin: germline. Affected: yes. Observed: 1 variant allele.
Comment: COL2A1: PM1:Strong, PS2, PM2, PM5:Supporting, PP3

Blueprint Genetics
Classification: Likely pathogenic for COL2A1-related disorders. Last evaluated: 2019-07-31. Review status: criteria provided, single submitter. Criteria: ACMG Guidelines, 2015. Collection method: clinical testing. Allele origin: germline. Affected: yes. Observed: 1 variant allele.

NM_001844.5(COL2A1):c.1204G>T (p.Gly402Trp)

Gene: COL2A1 (collagen type II alpha 1 chain; minus strand). Cytogenetic location: 12q13.11.
Variant type: single nucleotide variant.
Coding change: c.1204G>T on transcript NM_001844.5 (MANE Select); coding-DNA position 1204, G replaced by T.
Protein change: p.Gly402Trp; replaces glycine 402 with tryptophan.
Molecular consequence: missense variant.
Genome position (GRCh38, 1-based): chr12:47,987,628, C>A on the plus strand (G>T on the coding strand, the complement: COL2A1 is on the minus strand). VCF-style: chr12-47987628-C-A. GRCh37 (hg19) VCF-style: chr12-48381411-C-A.
Other names: c.997G>T, p.Gly333Trp (NM_033150.3); short protein forms G333W, G402W.
Identifiers: ClinVar variation 1224323 (VCV001224323.4), dbSNP rs2136579085, ClinGen allele CA384554399.
Genomic context (GRCh38, chr12:47,987,628, plus strand): 5'-ACAGACCCCAGACCCCCCCAGGCCAAAGAGAAGCTGCACTTACGGAGGCACCAGCAGGCC[C>A]AGGGGACCCAGGAGTACCAGGTTCACCGCGAGGACCTTGAGCACCTTCAGGACCACGGGC-3'
Protein context (NP_001835.3, residues 392-412): RGEPGTPGSP[Gly402Trp]PAGASGNPGT